The following is an entry in ClinVar:

NM_002168.4(IDH2):c.722A>G (p.Gln241Arg)

Gene: IDH2 (isocitrate dehydrogenase (NADP(+)) 2; minus strand). Cytogenetic location: 15q26.1.
Variant type: single nucleotide variant.
Coding change: c.722A>G on transcript NM_002168.4 (MANE Select); coding-DNA position 722, A replaced by G.
Protein change: p.Gln241Arg; replaces glutamine 241 with arginine.
Molecular consequence: missense variant.
Genome position (GRCh38, 1-based): chr15:90,087,532, T>C on the plus strand (A>G on the coding strand, the complement: IDH2 is on the minus strand). VCF-style: chr15-90087532-T-C. GRCh37 (hg19) VCF-style: chr15-90630764-T-C.
Other names: c.566A>G, p.Gln189Arg (NM_001289910.1); c.332A>G, p.Gln111Arg (NM_001290114.2); short protein forms Q111R, Q189R, Q241R.
Identifiers: ClinVar variation 3609553 (VCV003609553.2).
Genomic context (GRCh38, chr15:90,087,532, plus strand): 5'-CGCCCATCGTAGGCTTTCAGTATGGTGTTCTTGGTGCTCATGTACAGCGGCCATTTCTTC[T>C]GGATGGCATACTGGAAGCAGCTGTGCGCAAAACCTGAGATGGACTGCAGGGGGAGAGACA-3'
Protein context (NP_002159.2, residues 231-251): FAHSCFQYAI[Gln241Arg]KKWPLYMSTK

ClinVar aggregate classification (germline): Uncertain significance (1 of 4 stars; one submission).

Conditions:
D-2-hydroxyglutaric aciduria 2 (D2HGA2). Identifiers: Orphanet 79315, MedGen C3150909, MONDO:0013345, OMIM 613657.

gnomAD v4.1: 7 of 1,614,074 alleles (0.00043%); highest among the groups gnomAD compares: Non-Finnish European, 0.00059%; no homozygotes.

Submission:

Labcorp Genetics (formerly Invitae), Labcorp
Classification: Uncertain significance for D-2-hydroxyglutaric aciduria 2. Last evaluated: 2024-11-27. Review status: criteria provided, single submitter. Criteria: Invitae Variant Classification Sherloc (09022015). Collection method: clinical testing. Allele origin: germline.
Comment: This sequence change replaces glutamine, which is neutral and polar, with arginine, which is basic and polar, at codon 241 of the IDH2 protein (p.Gln241Arg). This variant is present in population databases (no rsID available, gnomAD 0.0009%). This variant has not been reported in the literature in individuals affected with IDH2-related conditions. Invitae Evidence Modeling of protein sequence and biophysical properties (such as structural, functional, and spatial information, amino acid conservation, physicochemical variation, residue mobility, and thermodynamic stability) indicates that this missense variant is not expected to disrupt IDH2 protein function with a negative predictive value of 80%. In summary, the available evidence is currently insufficient to determine the role of this variant in disease. Therefore, it has been classified as a Variant of Uncertain Significance.